The following is an entry in ClinVar:

ClinVar aggregate classification (germline): Benign. Review status: criteria provided, multiple submitters, no conflicts (2 of 4 stars). 4 submissions from 2 submitters: Benign (4). Last evaluated 2018-01-13.

Conditions:
Hereditary spherocytosis type 4. Also called: SLC4A1-Related Spherocytosis. Identifiers: Orphanet 822, MedGen C2675212, MONDO:0012981, OMIM 612653.
Autosomal dominant distal renal tubular acidosis (DRTA1). Also called: RTA, CLASSIC TYPE; RTA, DISTAL TYPE, AUTOSOMAL DOMINANT; RTA, GRADIENT TYPE; Renal Tubular Acidosis, Type I; RENAL TUBULAR ACIDOSIS, DISTAL, 1. Identifiers: Orphanet 93608, MedGen CN280572, MONDO:0008368, OMIM 179800.
Hemolytic anemia. Identifiers: MedGen C0002878, MONDO:0003664, HP:0001878.

Allele frequency attached by ClinVar (database versions not stated): 1000 Genomes Project 30x 0.01171; 1000 Genomes Project 0.01318; gnomAD 0.02114 and 0.02193; gnomAD exomes 0.02639; TOPMed 0.02126.

Submissions (4):

Illumina Laboratory Services, Illumina
Classification: Benign for Hereditary spherocytosis type 4. Last evaluated: 2018-01-13. Review status: criteria provided, single submitter. Criteria: ICSL Variant Classification Criteria 13 December 2019. Collection method: clinical testing. Allele origin: germline.
Comment: This variant was observed in the ICSL laboratory as part of a predisposition screen in an ostensibly healthy population. It had not been previously curated by ICSL or reported in the Human Gene Mutation Database (HGMD: prior to June 1st, 2018), and was therefore a candidate for classification through an automated scoring system. Utilizing variant allele frequency, disease prevalence and penetrance estimates, and inheritance mode, an automated score was calculated to assess if this variant is too frequent to cause the disease. Based on the score and internal cut-off values, a variant classified as benign is not then subjected to further curation. The score for this variant resulted in a classification of benign for this disease.

Illumina Laboratory Services, Illumina
Classification: Benign for Hemolytic anemia. Last evaluated: 2018-01-13. Review status: criteria provided, single submitter. Criteria: ICSL Variant Classification Criteria 13 December 2019. Collection method: clinical testing. Allele origin: germline.
Comment: the same text as in the submission from Illumina Laboratory Services, Illumina above.

Illumina Laboratory Services, Illumina
Classification: Benign for Autosomal dominant distal renal tubular acidosis. Last evaluated: 2018-01-13. Review status: criteria provided, single submitter. Criteria: ICSL Variant Classification Criteria 13 December 2019. Collection method: clinical testing. Allele origin: germline.
Comment: the same text as in the submission from Illumina Laboratory Services, Illumina above.

Breakthrough Genomics
Classification: Benign. Review status: criteria provided, single submitter. Criteria: ACMG Guidelines, 2015. Collection method: not provided. Allele origin: germline. Inheritance: Autosomal recessive inheritance. Affected: yes.

NM_000342.4(SLC4A1):c.*1721G>A

Gene: SLC4A1 (solute carrier family 4 member 1 (Diego blood group); minus strand). Cytogenetic location: 17q21.31.
Variant type: single nucleotide variant.
Coding change: c.*1721G>A on transcript NM_000342.4 (MANE Select); 1721 bases downstream of the stop codon, G replaced by A.
Molecular consequence: 3 prime UTR variant.
Genome position (GRCh38, 1-based): chr17:44,248,737, C>T on the plus strand (G>A on the coding strand, the complement: SLC4A1 is on the minus strand). VCF-style: chr17-44248737-C-T. GRCh37 (hg19) VCF-style: chr17-42326105-C-T.
Identifiers: ClinVar variation 323475 (VCV000323475.6), dbSNP rs62078947, ClinGen allele CA10639784.